The following is an entry in ClinVar:

ClinVar aggregate classification (germline): Uncertain significance (1 of 4 stars; one submission).

Conditions:
Cardiovascular phenotype. Identifiers: MedGen CN230736.

Submission:

Ambry Genetics
Classification: Uncertain significance for Cardiovascular phenotype. Last evaluated: 2023-10-03. Review status: criteria provided, single submitter. Criteria: Ambry Variant Classification Scheme 2023. Collection method: clinical testing. Allele origin: germline.
Comment: The p.A141P variant (also known as c.421G>C), located in coding exon 3 of the MYH7 gene, results from a G to C substitution at nucleotide position 421. The alanine at codon 141 is replaced by proline, an amino acid with highly similar properties. This amino acid position is highly conserved in available vertebrate species. In addition, this alteration is predicted to be deleterious by in silico analysis. Since supporting evidence is limited at this time, the clinical significance of this alteration remains unclear.

NM_000257.4(MYH7):c.421G>C (p.Ala141Pro)

Gene: MYH7 (myosin heavy chain 7; minus strand). Cytogenetic location: 14q11.2.
Variant type: single nucleotide variant.
Coding change: c.421G>C on transcript NM_000257.4 (MANE Select); coding-DNA position 421, G replaced by C.
Protein change: p.Ala141Pro; replaces alanine 141 with proline.
Molecular consequence: missense variant.
Genome position (GRCh38, 1-based): chr14:23,432,720, C>G on the plus strand (G>C on the coding strand, the complement: MYH7 is on the minus strand). VCF-style: chr14-23432720-C-G. GRCh37 (hg19) VCF-style: chr14-23901929-C-G.
Other names: c.421G>C, p.Ala141Pro (NM_001407004.1); short protein forms A141P.
Identifiers: ClinVar variation 3230909 (VCV003230909.1), dbSNP rs2502318066, ClinGen allele CA389052851.
Genomic context (GRCh38, chr14:23,432,720, plus strand): 5'-CGTTGTCGGAGATGGAGAAGATGTGGGGCGGGGCCTCGCTCCTCTTCTTGCCCCGGTAGG[C>G]AGCCACCACCTCAGGAGTGTACACCGGCAGCCACTTGTAAGGGTTGACGGTGACACAGAA-3'
Protein context (NP_000248.2, residues 131-151): LPVYTPEVVA[Ala141Pro]YRGKKRSEAP